The following is an entry in ClinVar:

ClinVar aggregate classification (germline): Uncertain significance. Review status: criteria provided, multiple submitters, no conflicts (2 of 4 stars). 3 submissions from 3 submitters: Uncertain significance (3). Last evaluated 2025-09-09.

Conditions:
Epidermolysis bullosa simplex 5B, with muscular dystrophy (EBS5B). Also called: Epidermolysis bullosa simplex with muscular dystrophy; EPIDERMOLYSIS BULLOSA SIMPLEX AND LIMB-GIRDLE MUSCULAR DYSTROPHY. Identifiers: Orphanet 257, MedGen C2931072, MONDO:0009181, OMIM 226670.
Epidermolysis bullosa simplex, Ogna type (EBS5A). Also called: Pidermolysis bullosa simplex 5A, Ogna type; EPIDERMOLYSIS BULLOSA SIMPLEX 5A, OGNA TYPE. Identifiers: Orphanet 79401, MedGen C0432317, MONDO:0007555, OMIM 131950.
Epidermolysis bullosa simplex with nail dystrophy (EBS5D). Identifiers: MedGen C4225309, MONDO:0014661, OMIM 616487.
Autosomal recessive limb-girdle muscular dystrophy type 2Q (LGMDR17). Also called: MUSCULAR DYSTROPHY, LIMB-GIRDLE, AUTOSOMAL RECESSIVE 17. Identifiers: Orphanet 254361, MedGen C3150989, MONDO:0013390, OMIM 613723.
Epidermolysis bullosa simplex 5C, with pyloric atresia (EBS5C). Also called: PLEC-Related Epidermolysis Bullosa with Pyloric Atresia; Epidermolysis bullosa simplex with pyloric atresia; PLEC1-Related Epidermolysis Bullosa with Pyloric Atresia. Identifiers: Orphanet 158684, MedGen C2677349, MONDO:0012807, OMIM 612138.

Allele frequency attached by ClinVar (database versions not stated): gnomAD 0.00001; TOPMed 0.00002; gnomAD exomes 0.00004; ExAC 0.00007.
gnomAD v4.1: 23 of 1,602,010 alleles (0.0014%); highest among the groups gnomAD compares: Admixed American, 0.0069%; no homozygotes.

Submissions (3):

Mayo Clinic Laboratories, Mayo Clinic
Classification: Uncertain significance. Last evaluated: 2025-09-09. Review status: criteria provided, single submitter. Criteria: ACMG Guidelines, 2015. Collection method: clinical testing. Allele origin: germline. Observed: 1 variant allele.
Comment: PM2_supporting

Labcorp Genetics (formerly Invitae), Labcorp
Classification: Uncertain significance for Autosomal recessive limb-girdle muscular dystrophy type 2Q; Epidermolysis bullosa simplex, Ogna type; Epidermolysis bullosa simplex with nail dystrophy; Epidermolysis bullosa simplex 5C, with pyloric atresia; Epidermolysis bullosa simplex 5B, with muscular dystrophy. Last evaluated: 2025-04-01. Review status: criteria provided, single submitter. Criteria: Invitae Variant Classification Sherloc (09022015). Collection method: clinical testing. Allele origin: germline.
Comment: This sequence change replaces glutamic acid, which is acidic and polar, with lysine, which is basic and polar, at codon 1136 of the PLEC protein (p.Glu1136Lys). This variant is present in population databases (rs782316766, gnomAD 0.01%). This variant has not been reported in the literature in individuals affected with PLEC-related conditions. ClinVar contains an entry for this variant (Variation ID: 597571). Invitae Evidence Modeling of protein sequence and biophysical properties (such as structural, functional, and spatial information, amino acid conservation, physicochemical variation, residue mobility, and thermodynamic stability) indicates that this missense variant is not expected to disrupt PLEC protein function with a negative predictive value of 80%. In summary, the available evidence is currently insufficient to determine the role of this variant in disease. Therefore, it has been classified as a Variant of Uncertain Significance.

Eurofins Ntd Llc (ga)
Classification: Uncertain significance. Last evaluated: 2018-06-15. Review status: criteria provided, single submitter. Criteria: EGL ClinVar v180209 classification definitions. Collection method: clinical testing. Allele origin: germline. Observed: 1 variant allele, 1 heterozygote.

NM_201384.3(PLEC):c.3325G>A (p.Glu1109Lys)

Gene: PLEC (plectin; minus strand). Cytogenetic location: 8q24.3.
Variant type: single nucleotide variant.
Coding change: c.3325G>A on transcript NM_201384.3 (MANE Select); coding-DNA position 3325, G replaced by A.
Protein change: p.Glu1109Lys; replaces glutamic acid 1109 with lysine.
Molecular consequence: missense variant.
Genome position (GRCh38, 1-based): chr8:143,927,928, C>T on the plus strand (G>A on the coding strand, the complement: PLEC is on the minus strand). VCF-style: chr8-143927928-C-T. GRCh37 (hg19) VCF-style: chr8-145002096-C-T.
Other names: p.Glu1136Lys; c.3406G>A, p.Glu1136Lys (NM_000445.5); c.3283G>A, p.Glu1095Lys (NM_201378.4); c.3259G>A, p.Glu1087Lys (NM_201379.3); c.3736G>A, p.Glu1246Lys (NM_201380.4); c.3229G>A, p.Glu1077Lys (NM_201381.3); c.3325G>A, p.Glu1109Lys (NM_201382.4); c.3337G>A, p.Glu1113Lys (NM_201383.3); short protein forms E1095K, E1077K, E1136K, E1087K, E1109K, E1246K, E1113K.
Identifiers: ClinVar variation 597571 (VCV000597571.11), dbSNP rs782316766, ClinGen allele CA4927122.